The following is an entry in ClinVar:

ClinVar aggregate classification (germline): Uncertain significance. Review status: criteria provided, multiple submitters, no conflicts (2 of 4 stars). 2 submissions from 2 submitters: Uncertain significance (2). Last evaluated 2025-09-02.

Conditions:
Scoliosis. Identifiers: MedGen C0036439, MONDO:0005392, HP:0002650.

Allele frequency attached by ClinVar (database versions not stated): ExAC 0.00005; gnomAD exomes 0.00006 and 0.00007; TOPMed 0.00009; gnomAD 0.00010 and 0.00011.
gnomAD v4.1: 121 of 1,613,812 alleles (0.0075%); highest among the groups gnomAD compares: Non-Finnish European, 0.01%; no homozygotes.

Submissions (3):

Labcorp Genetics (formerly Invitae), Labcorp
Classification: Uncertain significance. Last evaluated: 2025-09-02. Review status: criteria provided, single submitter. Criteria: Invitae Variant Classification Sherloc (09022015). Collection method: clinical testing. Allele origin: germline.
Comment: This sequence change replaces alanine, which is neutral and non-polar, with proline, which is neutral and non-polar, at codon 455 of the POC5 protein (p.Ala455Pro). This variant is present in population databases (rs763910203, gnomAD 0.02%). This missense change has been observed in individual(s) with idiopathic scoliosis (PMID: 25642776). ClinVar contains an entry for this variant (Variation ID: 638595). An algorithm developed to predict the effect of missense changes on protein structure and function (PolyPhen-2) suggests that this variant is likely to be tolerated. Experimental studies have shown that this missense change affects POC5 function (PMID: 25642776). In summary, the available evidence is currently insufficient to determine the role of this variant in disease. Therefore, it has been classified as a Variant of Uncertain Significance.

Undiagnosed Diseases Network, NIH
Classification: Uncertain significance for Scoliosis. Last evaluated: 2018-08-16. Review status: criteria provided, single submitter. Criteria: ACMG Guidelines, 2015. Collection method: clinical testing. Allele origin: unknown. Inheritance: Autosomal dominant inheritance. Affected: yes. Observed: 1 variant allele, 1 heterozygote. Study: Undiagnosed Diseases Network (NIH), UDN.

Dr. Peter K. Rogan Lab, Western University
No classification provided (evidence only). Condition: Malignant tumor of esophagus. Review status: no classification provided. Collection method: in vitro. Allele origin: not applicable. Functional consequence: retained intron. Not counted in ClinVar's aggregate classification.

Literature cited by the submitters: PubMed 25642776 (cited by Labcorp Genetics (formerly Invitae), Labcorp).

NM_001099271.2(POC5):c.1363G>C (p.Ala455Pro)

Gene: POC5 (POC5 centriolar protein; minus strand). Cytogenetic location: 5q13.3.
Variant type: single nucleotide variant.
Coding change: c.1363G>C on transcript NM_001099271.2 (MANE Select); coding-DNA position 1363, G replaced by C.
Protein change: p.Ala455Pro; replaces alanine 455 with proline.
Molecular consequence: missense variant.
Genome position (GRCh38, 1-based): chr5:75,685,251, C>G on the plus strand (G>C on the coding strand, the complement: POC5 is on the minus strand). VCF-style: chr5-75685251-C-G. GRCh37 (hg19) VCF-style: chr5-74981076-C-G.
Other names: c.1288G>C, p.Ala430Pro (NM_152408.3); short protein forms A455P, A430P.
Identifiers: ClinVar variation 638595 (VCV000638595.9), dbSNP rs763910203, ClinGen allele CA3310333.